The following is an entry in ClinVar:

ClinVar aggregate classification (germline): Likely pathogenic (1 of 4 stars; one submission).

Submission:

Labcorp Genetics (formerly Invitae), Labcorp
Classification: Likely pathogenic. Last evaluated: 2022-02-04. Review status: criteria provided, single submitter. Criteria: Invitae Variant Classification Sherloc (09022015). Collection method: clinical testing. Allele origin: germline.
Comment: This variant has not been reported in the literature in individuals affected with CDH23-related conditions. In summary, the currently available evidence indicates that the variant is pathogenic, but additional data are needed to prove that conclusively. Therefore, this variant has been classified as Likely Pathogenic. Algorithms developed to predict the effect of sequence changes on RNA splicing suggest that this variant may disrupt the consensus splice site. ClinVar contains an entry for this variant (Variation ID: 938376). This variant is not present in population databases (gnomAD no frequency). This sequence change affects a donor splice site in intron 37 of the CDH23 gene. It is expected to disrupt RNA splicing. Variants that disrupt the donor or acceptor splice site typically lead to a loss of protein function (PMID: 16199547), and loss-of-function variants in CDH23 are known to be pathogenic (PMID: 11138009, 21940737).

Literature cited by the submitters: PubMed 16199547; PubMed 11138009; PubMed 21940737.

NM_022124.6(CDH23):c.4617+2T>C

Gene: CDH23 (cadherin related 23; plus strand). Cytogenetic location: 10q22.1.
Variant type: single nucleotide variant.
Coding change: c.4617+2T>C on transcript NM_022124.6 (MANE Select); the canonical splice donor site of the intron after coding-DNA position 4617, T replaced by C.
Molecular consequence: splice donor variant.
Genome position (GRCh38, 1-based): chr10:71,740,952, T>C. VCF-style: chr10-71740952-T-C. GRCh37 (hg19) VCF-style: chr10-73500709-T-C.
Identifiers: ClinVar variation 938376 (VCV000938376.8), dbSNP rs1839717773, ClinGen allele CA377160844.